The following is an entry in ClinVar:

NM_000506.5(F2):c.191C>T (p.Thr64Met)

Gene: F2 (coagulation factor II, thrombin; plus strand). Cytogenetic location: 11p11.2.
Variant type: single nucleotide variant.
Coding change: c.191C>T on transcript NM_000506.5 (MANE Select); coding-DNA position 191, C replaced by T.
Protein change: p.Thr64Met; replaces threonine 64 with methionine.
Molecular consequence: missense variant.
Genome position (GRCh38, 1-based): chr11:46,719,813, C>T. VCF-style: chr11-46719813-C-T. GRCh37 (hg19) VCF-style: chr11-46741363-C-T.
Other names: p.Thr64Met; c.191C>T (NM_000506.4); short protein forms T64M.
Identifiers: ClinVar variation 878742 (VCV000878742.12), dbSNP rs142001812, ClinGen allele CA5966821.

ClinVar aggregate classification (germline): Uncertain significance. Review status: criteria provided, multiple submitters, no conflicts (2 of 4 stars). 7 submissions from 6 submitters: Uncertain significance (7). Last evaluated 2026-01-06.

Conditions:
Inborn genetic diseases. Identifiers: MedGen C0950123, MeSH D030342.
Thrombophilia due to thrombin defect (THPH1). Also called: Thrombosis susceptibility; THROMBOPHILIA DUE TO FACTOR 2 DEFECT; Prothrombin-Related Thrombophilia (Factor II); Prothrombin Thrombophilia. Identifiers: MedGen C3160733, MONDO:0008559, OMIM 188050. Disease mechanism: gain of function, loss of function.
F2-related disorder. Also called: F2-related disorders; F2-related condition.
Congenital prothrombin deficiency. Also called: HYPOPROTHROMBINEMIA; Hereditary factor II deficiency disease; Inherited hypoprothrombinemia; Congenital factor II deficiency; Inherited prothrombin deficiency; Factor II deficiency. Identifiers: Orphanet 325, MedGen C0272317, MONDO:0013361, OMIM 613679.

Allele frequency attached by ClinVar (database versions not stated): gnomAD exomes 0.00024 and 0.00051; TOPMed 0.00039; gnomAD 0.00046 and 0.00051; ExAC 0.00047; ESP Exome Variant Server 0.00077.
gnomAD v4.1: 803 of 1,590,978 alleles (0.05%); highest among the groups gnomAD compares: Non-Finnish European, 0.065%; no homozygotes.

Submissions (7):

Labcorp Genetics (formerly Invitae), Labcorp
Classification: Uncertain significance for Congenital prothrombin deficiency. Last evaluated: 2026-01-06. Review status: criteria provided, single submitter. Criteria: Invitae Variant Classification Sherloc (09022015). Collection method: clinical testing. Allele origin: germline.
Comment: This sequence change replaces threonine, which is neutral and polar, with methionine, which is neutral and non-polar, at codon 64 of the F2 protein (p.Thr64Met). This variant is present in population databases (rs142001812, gnomAD 0.04%). This variant has not been reported in the literature in individuals affected with F2-related conditions. ClinVar contains an entry for this variant (Variation ID: 878742). An algorithm developed to predict the effect of missense changes on protein structure and function (PolyPhen-2) suggests that this variant is likely to be tolerated. In summary, the available evidence is currently insufficient to determine the role of this variant in disease. Therefore, it has been classified as a Variant of Uncertain Significance.

PreventionGenetics, part of Exact Sciences
Classification: Uncertain significance for F2-related condition. Last evaluated: 2025-12-26. Review status: criteria provided, single submitter. Criteria: ACMG Guidelines, 2015. Collection method: clinical testing. Allele origin: germline.
Comment: The F2 c.191C>T variant is predicted to result in the amino acid substitution p.Thr64Met. To our knowledge, this variant has not been reported in the literature. This variant is reported in 0.046% of alleles in individuals of European (Non-Finnish) descent in gnomAD. At this time, the clinical significance of this variant is uncertain due to the absence of conclusive functional and genetic evidence.

Ambry Genetics
Classification: Uncertain significance for Inborn genetic diseases. Last evaluated: 2024-06-09. Review status: criteria provided, single submitter. Criteria: Ambry Variant Classification Scheme 2023. Collection method: clinical testing. Allele origin: germline.
Comment: The p.T64M variant (also known as c.191C>T), located in coding exon 2 of the F2 gene, results from a C to T substitution at nucleotide position 191. The threonine at codon 64 is replaced by methionine, an amino acid with similar properties. This amino acid position is conserved. In addition, the in silico prediction for this alteration is inconclusive. Since supporting evidence is limited at this time, the clinical significance of this alteration remains unclear.

Mayo Clinic Laboratories, Mayo Clinic
Classification: Uncertain significance. Last evaluated: 2024-05-03. Review status: criteria provided, single submitter. Criteria: ACMG Guidelines, 2015. Collection method: clinical testing. Allele origin: germline. Observed: 1 variant allele.
Comment: PM1_supporting, PM2_moderate

Baylor Genetics
Classification: Uncertain significance for Congenital prothrombin deficiency. Last evaluated: 2018-07-31. Review status: criteria provided, single submitter. Criteria: ACMG Guidelines, 2015. Collection method: clinical testing. Allele origin: paternal. Affected: yes.
Comment: This variant was determined to be of uncertain significance according to ACMG Guidelines, 2015 [PMID:25741868].

Illumina Laboratory Services, Illumina
Classification: Uncertain significance for Congenital prothrombin deficiency. Last evaluated: 2017-04-27. Review status: criteria provided, single submitter. Criteria: ICSL Variant Classification Criteria 13 December 2019. Collection method: clinical testing. Allele origin: germline.

Illumina Laboratory Services, Illumina
Classification: Uncertain significance for Thrombophilia due to thrombin defect. Last evaluated: 2017-04-27. Review status: criteria provided, single submitter. Criteria: ICSL Variant Classification Criteria 13 December 2019. Collection method: clinical testing. Allele origin: germline.